The following is an entry in ClinVar:

NM_000117.3(EMD):c.412dup (p.Asp138fs)

Gene: EMD (emerin; plus strand). Cytogenetic location: Xq28.
Variant type: Duplication.
Coding change: c.412dup on transcript NM_000117.3 (MANE Select); coding-DNA position 412, one base duplicated (G; older notation c.412dupG).
Protein change: p.Asp138fs; shifts the reading frame from aspartic acid 138.
Molecular consequence: frameshift variant.
Genome position (GRCh38, 1-based): chrX:154,380,765, G duplicated. VCF-style (leftmost placement, unchanged base first): chrX-154380764-C-CG. GRCh37 (hg19) VCF-style: chrX-153609124-C-CG.
Other names: short protein forms D138fs.
Identifiers: ClinVar variation 4721275 (VCV004721275.1).

ClinVar aggregate classification (germline): Pathogenic (1 of 4 stars; one submission).

Conditions:
X-linked Emery-Dreifuss muscular dystrophy. Also called: Muscular dystrophy, tardive Emery-Dreifuss type, with contractures. Identifiers: Orphanet 261, Orphanet 98863, MedGen C0751337, MONDO:0010680.

Submission:

Labcorp Genetics (formerly Invitae), Labcorp
Classification: Pathogenic for X-linked Emery-Dreifuss muscular dystrophy. Last evaluated: 2025-06-11. Review status: criteria provided, single submitter. Criteria: Invitae Variant Classification Sherloc (09022015). Collection method: clinical testing. Allele origin: germline.
Comment: This sequence change creates a premature translational stop signal (p.Asp138Glyfs*7) in the EMD gene. While this is not anticipated to result in nonsense mediated decay, it is expected to disrupt the last 117 amino acid(s) of the EMD protein. This variant is not present in population databases (gnomAD no frequency). This variant has not been reported in the literature in individuals affected with EMD-related conditions. This variant disrupts a region of the EMD protein in which other variant(s) (p.Trp226*) have been determined to be pathogenic (PMID: 8589715, 15967842). This suggests that this is a clinically significant region of the protein, and that variants that disrupt it are likely to be disease-causing. For these reasons, this variant has been classified as Pathogenic.

Literature cited by the submitters: PubMed 8589715; PubMed 15967842.